The following is an entry in ClinVar:

NM_001267550.2(TTN):c.41002CCT[1] (p.Pro13669del)

Gene: TTN (titin; minus strand). Cytogenetic location: 2q31.2.
Variant type: Microsatellite.
Coding change: c.41002CCT[1] on transcript NM_001267550.2 (MANE Select); one copy of the 3-base unit CCT starting at c.41002; the reference has two copies in a row; one copy, 3 bases deleted; also written c.41005_41007del.
Protein change: p.Pro13669del; deletes proline 13669.
Molecular consequence: inframe deletion.
Genome position (GRCh38, 1-based): chr2:178,636,720-178,636,722, AGG deleted on the plus strand (CCT on the coding strand, the reverse complement: TTN is on the minus strand); deleting any 3 consecutive bases within chr2:178,636,720-178,636,725 gives the same sequence; the position shown is the placement nearest the transcript's 3' end. VCF-style (leftmost placement, unchanged base first): chr2-178636719-CAGG-C. GRCh37 (hg19) VCF-style: chr2-179501446-CAGG-C.
Other names: c.36079CCT[1], p.Pro12028del (NM_001256850.1); c.13807CCT[1], p.Pro4604del (NM_003319.4); c.33298CCT[1], p.Pro11101del (NM_133378.4); c.14182CCT[1], p.Pro4729del (NM_133432.3); c.14383CCT[1], p.Pro4796del (NM_133437.4); c.13810_13812delCCT (NM_003319.4); c.33301_33303del (NM_133378.4); c.41005_41007del (NM_001267550.2); short protein forms P11101del, P12028del, P13669del, P4604del, P4729del, P4796del.
Identifiers: ClinVar variation 995339 (VCV000995339.7), dbSNP rs747793660, ClinGen allele CA1996323.

ClinVar aggregate classification (germline): Uncertain significance. Review status: criteria provided, multiple submitters, no conflicts (2 of 4 stars). 5 submissions from 5 submitters: Uncertain significance (5). Last evaluated 2026-08-13.

Conditions:
Hypertrophic cardiomyopathy 9. Also called: Familial hypertrophic cardiomyopathy 9. Identifiers: MedGen C1861065, MONDO:0013412, OMIM 613765.
Dilated cardiomyopathy 1G (CMD1G). Identifiers: Orphanet 154, MedGen C1858763, MONDO:0011400, OMIM 604145.
Cardiovascular phenotype. Identifiers: MedGen CN230736.

Submissions (5):

Ambry Genetics
Classification: Uncertain significance for Cardiovascular phenotype. Last evaluated: 2026-08-13. Review status: criteria provided, single submitter. Criteria: Ambry Variant Classification Scheme 2023. Collection method: clinical testing. Allele origin: germline.
Comment: The c.13810_13812delCCT variant (also known as p.P4604del) is located in coding exon 52 of the TTN gene. This variant results from an in-frame CCT deletion at nucleotide positions 13810 to 13812. This results in the in-frame deletion of a proline at codon 4604. This amino acid position is well conserved in available vertebrate species. In addition, this variant is predicted to be deleterious by in silico analysis (Choi Y et al. PLoS ONE. 2012; 7(10):e46688). Based on the available evidence, the clinical significance of this variant remains unclear.

Molecular Diagnostic Laboratory for Inherited Cardiovascular Disease, Montreal Heart Institute
Classification: Uncertain significance for Cardiovascular phenotype. Last evaluated: 2025-07-24. Review status: criteria provided, single submitter. Criteria: ACMG Guidelines, 2015. Collection method: clinical testing. Allele origin: germline. Affected: yes.
Comment: PM4, BP5

New York Genome Center
Classification: Uncertain significance for Dilated cardiomyopathy 1G; Hypertrophic cardiomyopathy 9. Last evaluated: 2023-02-24. Review status: criteria provided, single submitter. Criteria: NYGC Assertion Criteria 2020. Collection method: clinical testing. Allele origin: germline. Observed: 1 heterozygote.

Athena Diagnostics
Classification: Uncertain significance. Last evaluated: 2020-06-03. Review status: criteria provided, single submitter. Criteria: Athena Diagnostics Criteria. Collection method: clinical testing. Allele origin: unknown.

Revvity Omics, Revvity
Classification: Uncertain significance. Last evaluated: 2019-08-29. Review status: criteria provided, single submitter. Criteria: ACMG Guidelines, 2015. Collection method: clinical testing. Allele origin: germline.